The following is an entry in ClinVar:

ClinVar aggregate classification (germline): Uncertain significance (1 of 4 stars; one submission).

gnomAD v4.1: 1 of 1,611,564 alleles (0.000062%); highest among the groups gnomAD compares: East Asian, 0.0022%; no homozygotes.

Submission:

Labcorp Genetics (formerly Invitae), Labcorp
Classification: Uncertain significance. Last evaluated: 2025-05-07. Review status: criteria provided, single submitter. Criteria: Invitae Variant Classification Sherloc (09022015). Collection method: clinical testing. Allele origin: germline.
Comment: This sequence change replaces threonine, which is neutral and polar, with alanine, which is neutral and non-polar, at codon 1591 of the ROBO1 protein (p.Thr1591Ala). This variant is not present in population databases (gnomAD no frequency). This variant has not been reported in the literature in individuals affected with ROBO1-related conditions. Invitae Evidence Modeling of protein sequence and biophysical properties (such as structural, functional, and spatial information, amino acid conservation, physicochemical variation, residue mobility, and thermodynamic stability) indicates that this missense variant is not expected to disrupt ROBO1 protein function with a negative predictive value of 95%. In summary, the available evidence is currently insufficient to determine the role of this variant in disease. Therefore, it has been classified as a Variant of Uncertain Significance.

NM_002941.4(ROBO1):c.4771A>G (p.Thr1591Ala)

Gene: ROBO1 (roundabout guidance receptor 1; minus strand). Cytogenetic location: 3p12.3.
Variant type: single nucleotide variant.
Coding change: c.4771A>G on transcript NM_002941.4 (MANE Select); coding-DNA position 4771, A replaced by G.
Protein change: p.Thr1591Ala; replaces threonine 1591 with alanine.
Molecular consequence: missense variant.
Genome position (GRCh38, 1-based): chr3:78,600,283, T>C on the plus strand (A>G on the coding strand, the complement: ROBO1 is on the minus strand). VCF-style: chr3-78600283-T-C. GRCh37 (hg19) VCF-style: chr3-78649433-T-C.
Other names: c.4636A>G, p.Thr1546Ala (NM_133631.4); c.4471A>G, p.Thr1491Ala (NM_001145845.2); short protein forms T1546A, T1491A, T1591A.
Identifiers: ClinVar variation 4768870 (VCV004768870.1).